The following is an entry in ClinVar:

ClinVar aggregate classification (germline): Benign. Review status: criteria provided, multiple submitters, no conflicts (2 of 4 stars). 20 submissions from 20 submitters: Benign (15). 5 of the submissions do not count toward it. Last evaluated 2026-02-04.

Conditions:
Hereditary cancer-predisposing syndrome. Also called: Tumor predisposition; Hereditary neoplastic syndrome; Neoplastic Syndromes, Hereditary; Hereditary Cancer Syndrome. Identifiers: Orphanet 140162, MedGen C0027672, MeSH D009386, MONDO:0015356.
Neuroblastoma, susceptibility to, 3. Also called: ALK-Related Neuroblastic Tumor Susceptibility. Identifiers: Orphanet 635, MedGen C2751681, MONDO:0013083, OMIM 613014.
Squamous cell lung carcinoma. Also called: Lung cancer, squamous cell, somatic; Squamous cell carcinoma of lung. Identifiers: MedGen C0149782, MONDO:0005097, HP:0030359.

Allele frequency attached by ClinVar (database versions not stated): ExAC 0.46002; gnomAD exomes 0.46849 and 0.39176; gnomAD 0.47470 and 0.47503; TOPMed 0.48953; 1000 Genomes Project 0.57288; 1000 Genomes Project 30x 0.57558; ESP Exome Variant Server 0.43349.
gnomAD v4.1: 645,422 of 1,613,842 alleles (40%); highest among the groups gnomAD compares: East Asian, 73%; 137,955 homozygotes.

Submissions (20):

Labcorp Genetics (formerly Invitae), Labcorp
Classification: Benign for Neuroblastoma, susceptibility to, 3. Last evaluated: 2026-02-04. Review status: criteria provided, single submitter. Criteria: Invitae Variant Classification Sherloc (09022015). Collection method: clinical testing. Allele origin: germline.

ARUP Laboratories, Molecular Genetics and Genomics, ARUP Laboratories
Classification: Benign for Neuroblastoma, susceptibility to, 3. Last evaluated: 2025-07-30. Review status: criteria provided, single submitter. Criteria: ARUP Molecular Germline Variant Investigation Process 2024. Collection method: clinical testing. Allele origin: germline.

Blueprint Genetics
Classification: Benign. Last evaluated: 2024-11-26. Review status: criteria provided, single submitter. Criteria: ACMG Guidelines, 2015. Collection method: clinical testing. Allele origin: germline.

KCCC/NGS Laboratory, Kuwait Cancer Control Center
Classification: Benign for Neuroblastoma, susceptibility to, 3. Last evaluated: 2023-07-07. Review status: criteria provided, single submitter. Criteria: ACMG Guidelines, 2015. Collection method: clinical testing. Allele origin: germline. Affected: yes.

Department of Pathology and Laboratory Medicine, Sinai Health System
Classification: Benign for neuroblastoma, susceptibility to, 3. Last evaluated: 2023-04-24. Review status: criteria provided, single submitter. Criteria: ACMG Guidelines, 2015. Collection method: research. Allele origin: germline.

Mayo Clinic Laboratories, Mayo Clinic
Classification: Benign. Last evaluated: 2022-02-18. Review status: criteria provided, single submitter. Criteria: ACMG Guidelines, 2015. Collection method: clinical testing. Allele origin: germline. Observed: 160 variant alleles.

Illumina Laboratory Services, Illumina
Classification: Benign for Neuroblastoma, susceptibility to, 3. Last evaluated: 2018-01-13. Review status: criteria provided, single submitter. Criteria: ICSL Variant Classification Criteria 13 December 2019. Collection method: clinical testing. Allele origin: germline.
Comment: This variant was observed in the ICSL laboratory as part of a predisposition screen in an ostensibly healthy population. It had not been previously curated by ICSL or reported in the Human Gene Mutation Database (HGMD: prior to June 1st, 2018), and was therefore a candidate for classification through an automated scoring system. Utilizing variant allele frequency, disease prevalence and penetrance estimates, and inheritance mode, an automated score was calculated to assess if this variant is too frequent to cause the disease. Based on the score and internal cut-off values, a variant classified as benign is not then subjected to further curation. The score for this variant resulted in a classification of benign for this disease.

Ambry Genetics
Classification: Benign for Hereditary cancer-predisposing syndrome. Last evaluated: 2016-12-12. Review status: criteria provided, single submitter. Criteria: Ambry Variant Classification Scheme 2023. Collection method: clinical testing. Allele origin: germline.

Women's Health and Genetics/Laboratory Corporation of America, LabCorp
Classification: Benign. Last evaluated: 2016-04-27. Review status: criteria provided, single submitter. Criteria: LabCorp Variant Classification Summary - May 2015. Collection method: clinical testing. Allele origin: germline.
Comment: Variant summary: The c.4587C>G variant affects a non-conserved nucleotide, resulting in amino acid change from Asp to Glu. 4/4 in-silico tools predict benign outcome for this variant (SNPs&GO not captured due to low reliability index). This variant is found in 55828/121360 control chromosomes (14197 homozygotes) at a frequency of 0.4600198, which is about 1104047 times of the maximal expected frequency of a pathogenic allele (0.0000004), suggesting this variant is benign. Taken together, this variant was classified as Benign.

GeneDx
Classification: Benign. Last evaluated: 2016-04-05. Review status: criteria provided, single submitter. Criteria: GeneDx Variant Classification (06012015). Collection method: clinical testing. Allele origin: germline. Affected: yes.
Comment: This variant is considered likely benign or benign based on one or more of the following criteria: it is a conservative change, it occurs at a poorly conserved position in the protein, it is predicted to be benign by multiple in silico algorithms, and/or has population frequency not consistent with disease.

Laboratory for Molecular Medicine, Mass General Brigham Personalized Medicine
Classification: Benign. Last evaluated: 2016-03-29. Review status: criteria provided, single submitter. Criteria: LMM Criteria. Collection method: clinical testing. Allele origin: germline.
Comment: Variant identified in a genome or exome case(s) and assessed due to predicted null impact of the variant or pathogenic assertions in the literature or databases. Disclaimer: This variant has not undergone full assessment. The following are preliminary notes: Frequency

Genome Diagnostics Laboratory, Amsterdam University Medical Center
Classification: Benign for Neuroblastoma, susceptibility to, 3. Last evaluated: 2016-01-15. Review status: criteria provided, single submitter. Criteria: ACGS Guidelines, 2013. Collection method: clinical testing. Allele origin: germline. Affected: yes. Study: VKGL Data-share Consensus.

Clinical Genetics DNA and cytogenetics Diagnostics Lab, Erasmus MC, Erasmus Medical Center
Classification: Benign for Neuroblastoma, susceptibility to, 3. Last evaluated: 2015-09-21. Review status: criteria provided, single submitter. Criteria: ACGS Guidelines, 2013. Collection method: clinical testing. Allele origin: germline. Affected: yes. Study: VKGL Data-share Consensus.

Breakthrough Genomics
Classification: Benign. Review status: criteria provided, single submitter. Criteria: ACMG Guidelines, 2015. Collection method: not provided. Allele origin: germline. Inheritance: Unknown mechanism. Affected: yes.

PreventionGenetics, part of Exact Sciences
Classification: Benign. Review status: criteria provided, single submitter. Criteria: ACMG Guidelines, 2015. Collection method: clinical testing. Allele origin: germline.

Faculté Pluridciplinaire Nador, Université Mohamed Premier
Classification: Likely pathogenic for Squamous Cell Lung Carcinoma. Last evaluated: 2020-05-05. Review status: no assertion criteria provided. Collection method: clinical testing, in vivo. Allele origin: somatic. Affected: yes. Observed: 1 variant allele. Not counted in ClinVar's aggregate classification.

ITMI
No classification provided. Condition: AllHighlyPenetrant. Last evaluated: 2013-09-19. Review status: no classification provided. Collection method: reference population. Allele origin: germline. Not counted in ClinVar's aggregate classification.
Comment: Please see associated publication for description of ethnicities

Diagnostic Laboratory, Department of Genetics, University Medical Center Groningen
Classification: Benign for Neuroblastoma, susceptibility to, 3. Review status: no assertion criteria provided. Collection method: clinical testing. Allele origin: germline. Affected: yes. Study: VKGL Data-share Consensus. Not counted in ClinVar's aggregate classification.

Genome Diagnostics Laboratory, University Medical Center Utrecht
Classification: Benign. Review status: no assertion criteria provided. Collection method: clinical testing. Allele origin: germline. Affected: yes. Study: VKGL Data-share Consensus. Not counted in ClinVar's aggregate classification.

Joint Genome Diagnostic Labs from Nijmegen and Maastricht, Radboudumc and MUMC+
Classification: Benign. Review status: no assertion criteria provided. Collection method: clinical testing. Allele origin: germline. Affected: yes. Study: VKGL Data-share Consensus. Not counted in ClinVar's aggregate classification.

Literature cited by the submitters: DOI 10.3389/fonc.2020.01215 (cited by Faculté Pluridciplinaire Nador, Université Mohamed Premier); PubMed 24728327 (cited by ITMI).

NM_004304.5(ALK):c.4587C>G (p.Asp1529Glu)

Gene: ALK (ALK receptor tyrosine kinase; minus strand). Cytogenetic location: 2p23.2.
Variant type: single nucleotide variant.
Coding change: c.4587C>G on transcript NM_004304.5 (MANE Select); coding-DNA position 4587, C replaced by G.
Protein change: p.Asp1529Glu; replaces aspartic acid 1529 with glutamic acid.
Molecular consequence: missense variant.
Genome position (GRCh38, 1-based): chr2:29,193,500, G>C on the plus strand (C>G on the coding strand, the complement: ALK is on the minus strand). VCF-style: chr2-29193500-G-C. GRCh37 (hg19) VCF-style: chr2-29416366-G-C.
Other names: c.1383C>G, p.Asp461Glu (NM_001353765.2); short protein forms D1529E, D461E.
Identifiers: ClinVar variation 133476 (VCV000133476.43), dbSNP rs1881421, ClinGen allele CA156644.